The following is an entry in ClinVar:

ClinVar aggregate classification (germline): Conflicting classifications of pathogenicity. Review status: criteria provided, conflicting classifications (1 of 4 stars). 19 submissions from 15 submitters: Uncertain significance (5); Benign (3); Likely benign (11). Last evaluated 2026-09-01.

Conditions:
TTN-related disorder. Also called: TTN-related disorders; TTN-related condition; TTN-related disease.
Cardiovascular phenotype. Identifiers: MedGen CN230736.
Autosomal recessive limb-girdle muscular dystrophy type 2J (LGMDR10). Also called: MUSCULAR DYSTROPHY, LIMB-GIRDLE, AUTOSOMAL RECESSIVE 10; Limb-girdle muscular dystrophy, type 2J. Identifiers: Orphanet 140922, MedGen C1837342, MONDO:0012127, OMIM 608807.
Dilated cardiomyopathy 1G (CMD1G). Identifiers: Orphanet 154, MedGen C1858763, MONDO:0011400, OMIM 604145.
Cardiomyopathy (CMYO). Also called: Cardiomyopathies. Identifiers: Orphanet 167848, MedGen C0878544, MONDO:0004994, HP:0001638. Inheritance: Various modes of inheritance.
Early-onset myopathy with fatal cardiomyopathy (CMYO5). Also called: CONGENITAL MYOPATHY 5 WITH CARDIOMYOPATHY; Salih Myopathy. Identifiers: Orphanet 289377, MedGen C2673677, MONDO:0012714, OMIM 611705. Disease mechanism: loss of function.
Myopathy, myofibrillar, 9, with early respiratory failure (MFM9). Also called: Myopathy, distal, with early respiratory failure, autosomal dominant; Hereditary myopathy with early respiratory failure; EDSTROM MYOPATHY; MYOPATHY, PROXIMAL, WITH EARLY RESPIRATORY MUSCLE INVOLVEMENT. Identifiers: Orphanet 178464, Orphanet 34521, MedGen C1863599, MONDO:0011362, OMIM 603689.
Tibial muscular dystrophy (TMD). Also called: Tibial muscular dystrophy, tardive; Udd Distal Myopathy – Tibial Muscular Dystrophy; UDD MYOPATHY. Identifiers: Orphanet 609, MedGen C1838244, MONDO:0010870, OMIM 600334.

Allele frequency attached by ClinVar (database versions not stated): ESP Exome Variant Server 0.00008; gnomAD exomes 0.00038; ExAC 0.00039; 1000 Genomes Project 0.00020; TOPMed 0.00034; 1000 Genomes Project 30x 0.00016.
gnomAD v4.1: 375 of 1,613,126 alleles (0.023%); highest among the groups gnomAD compares: Middle Eastern, 0.23%; no homozygotes.

Submissions (19):

CeGaT Center for Human Genetics Tuebingen
Classification: Likely benign. Last evaluated: 2026-09-01. Review status: criteria provided, single submitter. Criteria: CeGaT Center For Human Genetics Tuebingen Variant Classification Criteria Version 2. Collection method: clinical testing. Allele origin: germline. Affected: yes. Observed: 11 variant alleles.
Comment: TTN: BP4

Women's Health and Genetics/Laboratory Corporation of America, LabCorp
Classification: Likely benign. Last evaluated: 2026-03-25. Review status: criteria provided, single submitter. Criteria: LabCorp Variant Classification Summary - May 2015. Collection method: clinical testing. Allele origin: germline.
Comment: Variant summary: TTN c.28825C>T (p.Pro9609Ser) results in a non-conservative amino acid change in the encoded protein sequence near a canonical splice site. Algorithms developed to predict the effect of missense changes on protein structure and function are either unavailable or do not agree on the potential impact of this missense change. Consensus agreement among computation tools predict no significant impact on normal splicing. However, these predictions have yet to be confirmed by functional studies. The variant allele was found at a frequency of 0.00038 in 248664 control chromosomes, predominantly at a frequency of 0.0012 within the Latino subpopulation in the gnomAD database. The observed variant frequency within Latino control individuals in the gnomAD database exceeds the estimated maximal expected allele frequency for disease-causing variants in TTN, suggesting the variant is benign. To our knowledge, no occurrence of c.28825C>T in individuals affected with TTN-related conditions and no experimental evidence demonstrating its impact on protein function have been reported. ClinVar contains an entry for this variant (Variation ID: 46871). Based on the evidence outlined above, the variant was classified as likely benign.

Labcorp Genetics (formerly Invitae), Labcorp
Classification: Likely benign for Dilated cardiomyopathy 1G; Autosomal recessive limb-girdle muscular dystrophy type 2J. Last evaluated: 2026-02-03. Review status: criteria provided, single submitter. Criteria: Invitae Variant Classification Sherloc (09022015). Collection method: clinical testing. Allele origin: germline.

Molecular Diagnostic Laboratory for Inherited Cardiovascular Disease, Montreal Heart Institute
Classification: Likely benign. Last evaluated: 2025-04-09. Review status: criteria provided, single submitter. Criteria: ACMG Guidelines, 2015. Collection method: clinical testing. Allele origin: germline. Affected: no.

Revvity Omics, Revvity
Classification: Likely benign. Last evaluated: 2025-03-24. Review status: criteria provided, single submitter. Criteria: ACMG Guidelines, 2015. Collection method: clinical testing. Allele origin: germline.

PreventionGenetics, part of Exact Sciences
Classification: Likely benign for TTN-related condition. Last evaluated: 2025-03-14. Review status: criteria provided, single submitter. Criteria: ACMG Guidelines, 2015. Collection method: clinical testing. Allele origin: germline.
Comment: This variant is classified as likely benign based on ACMG/AMP sequence variant interpretation guidelines (Richards et al. 2015 PMID: 25741868, with internal and published modifications).

Blueprint Genetics
Classification: Likely benign. Last evaluated: 2024-11-04. Review status: criteria provided, single submitter. Criteria: ACMG Guidelines, 2015. Collection method: clinical testing. Allele origin: germline.

Mayo Clinic Laboratories, Mayo Clinic
Classification: Likely benign. Last evaluated: 2024-06-07. Review status: criteria provided, single submitter. Criteria: ACMG Guidelines, 2015. Collection method: clinical testing. Allele origin: germline. Observed: 4 variant alleles.
Comment: BS1, BP1, BP4

CHEO Genetics Diagnostic Laboratory, Children's Hospital of Eastern Ontario
Classification: Benign for Cardiomyopathy. Last evaluated: 2020-12-08. Review status: criteria provided, single submitter. Criteria: ACMG Guidelines, 2015. Collection method: clinical testing. Allele origin: germline.

Athena Diagnostics
Classification: Likely benign. Last evaluated: 2019-08-12. Review status: criteria provided, single submitter. Criteria: Athena Diagnostics Criteria. Collection method: clinical testing. Allele origin: germline.

GeneDx
Classification: Likely benign. Last evaluated: 2018-04-27. Review status: criteria provided, single submitter. Criteria: GeneDx Variant Classification (06012015). Collection method: clinical testing. Allele origin: germline. Affected: yes.
Comment: This variant is considered likely benign or benign based on one or more of the following criteria: it is a conservative change, it occurs at a poorly conserved position in the protein, it is predicted to be benign by multiple in silico algorithms, and/or has population frequency not consistent with disease.

Illumina Laboratory Services, Illumina
Classification: Uncertain significance for Autosomal recessive limb-girdle muscular dystrophy type 2J. Last evaluated: 2018-01-13. Review status: criteria provided, single submitter. Criteria: ICSL Variant Classification Criteria 13 December 2019. Collection method: clinical testing. Allele origin: germline.

Illumina Laboratory Services, Illumina
Classification: Benign for Tibial muscular dystrophy. Last evaluated: 2018-01-13. Review status: criteria provided, single submitter. Criteria: ICSL Variant Classification Criteria 13 December 2019. Collection method: clinical testing. Allele origin: germline.
Comment: This variant was observed in the ICSL laboratory as part of a predisposition screen in an ostensibly healthy population. It had not been previously curated by ICSL or reported in the Human Gene Mutation Database (HGMD: prior to June 1st, 2018), and was therefore a candidate for classification through an automated scoring system. Utilizing variant allele frequency, disease prevalence and penetrance estimates, and inheritance mode, an automated score was calculated to assess if this variant is too frequent to cause the disease. Based on the score and internal cut-off values, a variant classified as benign is not then subjected to further curation. The score for this variant resulted in a classification of benign for this disease.

Illumina Laboratory Services, Illumina
Classification: Benign for Myopathy, myofibrillar, 9, with early respiratory failure. Last evaluated: 2018-01-13. Review status: criteria provided, single submitter. Criteria: ICSL Variant Classification Criteria 13 December 2019. Collection method: clinical testing. Allele origin: germline.
Comment: the same text as in the submission from Illumina Laboratory Services, Illumina above.

Illumina Laboratory Services, Illumina
Classification: Uncertain significance for Early-onset myopathy with fatal cardiomyopathy. Last evaluated: 2018-01-13. Review status: criteria provided, single submitter. Criteria: ICSL Variant Classification Criteria 13 December 2019. Collection method: clinical testing. Allele origin: germline.

Illumina Laboratory Services, Illumina
Classification: Uncertain significance for Dilated cardiomyopathy 1G. Last evaluated: 2018-01-13. Review status: criteria provided, single submitter. Criteria: ICSL Variant Classification Criteria 13 December 2019. Collection method: clinical testing. Allele origin: germline.

Laboratory for Molecular Medicine, Mass General Brigham Personalized Medicine
Classification: Likely benign. Last evaluated: 2017-08-28. Review status: criteria provided, single submitter. Criteria: LMM Criteria. Collection method: clinical testing. Allele origin: germline. Observed: 3 variant alleles.
Comment: proposed classification - variant undergoing re-assessment, contact laboratory

Eurofins Ntd Llc (ga)
Classification: Uncertain significance. Last evaluated: 2015-09-03. Review status: criteria provided, single submitter. Criteria: EGL Classification Definitions 2015. Collection method: clinical testing. Allele origin: germline. Observed: 1 variant allele.

Ambry Genetics
Classification: Uncertain significance for Cardiovascular phenotype. Last evaluated: 2013-01-22. Review status: criteria provided, single submitter. Criteria: Ambry Autosomal Dominant and X-Linked criteria (10/2015). Collection method: clinical testing. Allele origin: germline. Observed: 1 variant allele.
Comment: There is insufficient or conflicting evidence for classification of this alteration.

NM_001267550.2(TTN):c.32557C>T (p.Pro10853Ser)

Gene: TTN (titin; minus strand). Cytogenetic location: 2q31.2.
Variant type: single nucleotide variant.
Coding change: c.32557C>T on transcript NM_001267550.2 (MANE Select); coding-DNA position 32557, C replaced by T.
Protein change: p.Pro10853Ser; replaces proline 10853 with serine.
Molecular consequence: missense variant. On other transcripts: intron variant (3).
Genome position (GRCh38, 1-based): chr2:178,684,747, G>A on the plus strand (C>T on the coding strand, the complement: TTN is on the minus strand). VCF-style: chr2-178684747-G-A. GRCh37 (hg19) VCF-style: chr2-179549474-G-A.
Other names: p.Pro10536Ser; c.31606C>T, p.Pro10536Ser (NM_001256850.1); c.28825C>T, p.Pro9609Ser (NM_133378.4); c.13283-42430C>T (NM_003319.4); c.13859-42430C>T (NM_133437.4); c.13658-42430C>T (NM_133432.3); short protein forms P10853S, P9609S, P10536S.
Identifiers: ClinVar variation 46871 (VCV000046871.81), dbSNP rs201738153, ClinGen allele CA139397.